The following is an entry in ClinVar:

ClinVar aggregate classification (germline): Uncertain significance (1 of 4 stars; one submission).

Conditions:
Primary ciliary dyskinesia. Also called: Ciliary dyskinesia. Identifiers: Orphanet 244, MedGen C0008780, MONDO:0016575, HP:0012265.

Allele frequency attached by ClinVar (database versions not stated): gnomAD exomes below 0.00001; gnomAD 0.00001; TOPMed 0.00002.
gnomAD v4.1: 4 of 1,613,744 alleles (0.00025%); highest among the groups gnomAD compares: Non-Finnish European, 0.00034%; no homozygotes.

Submission:

Labcorp Genetics (formerly Invitae), Labcorp
Classification: Uncertain significance for Primary ciliary dyskinesia. Last evaluated: 2023-10-26. Review status: criteria provided, single submitter. Criteria: Invitae Variant Classification Sherloc (09022015). Collection method: clinical testing. Allele origin: germline.
Comment: This sequence change replaces leucine, which is neutral and non-polar, with proline, which is neutral and non-polar, at codon 1403 of the DNAH5 protein (p.Leu1403Pro). This variant is not present in population databases (gnomAD no frequency). This variant has not been reported in the literature in individuals affected with DNAH5-related conditions. ClinVar contains an entry for this variant (Variation ID: 1989604). Advanced modeling of protein sequence and biophysical properties (such as structural, functional, and spatial information, amino acid conservation, physicochemical variation, residue mobility, and thermodynamic stability) performed at Invitae indicates that this missense variant is not expected to disrupt DNAH5 protein function with a negative predictive value of 95%. In summary, the available evidence is currently insufficient to determine the role of this variant in disease. Therefore, it has been classified as a Variant of Uncertain Significance.

NM_001369.3(DNAH5):c.4208T>C (p.Leu1403Pro)

Genes: DNAH5 (dynein axonemal heavy chain 5; minus strand), DNAH5-AS1 (DNAH5 antisense RNA 1; plus strand). Cytogenetic location: 5p15.2.
Variant type: single nucleotide variant.
Coding change: c.4208T>C on transcript NM_001369.3 (MANE Select); coding-DNA position 4208, T replaced by C.
Protein change: p.Leu1403Pro; replaces leucine 1403 with proline.
Molecular consequence: missense variant.
Genome position (GRCh38, 1-based): chr5:13,865,815, A>G on the plus strand (T>C on the coding strand, the complement: DNAH5 is on the minus strand). VCF-style: chr5-13865815-A-G. GRCh37 (hg19) VCF-style: chr5-13865924-A-G.
Other names: short protein forms L1403P.
Identifiers: ClinVar variation 1989604 (VCV001989604.4), dbSNP rs1252035893, ClinGen allele CA359225275.
Genomic context (GRCh38, chr5:13,865,815, plus strand): 5'-ATGACACTGTTGTACAGAGTATATATTTTCTGTAGAAGATTTAGTTGCTTCTTTATTTCA[A>G]GAAGCTGAGGATACTGTGTAGCTGGCAGGCCAAAAAGCTCCTCTCCTCCAGTATATGTGA-3'
Protein context (NP_001360.1, residues 1393-1413): GLPATQYPQL[Leu1403Pro]EIKKQLNLLQ